The following is an entry in ClinVar:

ClinVar aggregate classification (germline): Uncertain significance (1 of 4 stars; one submission).

Conditions:
Atrial standstill 1 (ATRST1). Also called: ATRIAL CARDIOMYOPATHY WITH HEART BLOCK; CARDIOMYOPATHY, FAMILIAL, WITH CONDUCTION DISTURBANCE; Atrial standstill, digenic (GJA5/SCN5A). Identifiers: Orphanet 1344, MedGen C4551959, MONDO:0007171, OMIM 108770.
Atrial fibrillation, familial, 11 (ATFB11). Identifiers: MedGen C3279693, MONDO:0013544, OMIM 614049.

gnomAD v4.1: 2 of 1,614,126 alleles (0.00012%); highest among the groups gnomAD compares: Non-Finnish European, 0.00017%; no homozygotes.

Submission:

Labcorp Genetics (formerly Invitae), Labcorp
Classification: Uncertain significance for Atrial fibrillation, familial, 11; Atrial standstill 1. Last evaluated: 2025-11-17. Review status: criteria provided, single submitter. Criteria: Invitae Variant Classification Sherloc (09022015). Collection method: clinical testing. Allele origin: germline.
Comment: This sequence change replaces valine, which is neutral and non-polar, with phenylalanine, which is neutral and non-polar, at codon 117 of the GJA5 protein (p.Val117Phe). This variant is not present in population databases (gnomAD no frequency). This variant has not been reported in the literature in individuals affected with GJA5-related conditions. Invitae Evidence Modeling of protein sequence and biophysical properties (such as structural, functional, and spatial information, amino acid conservation, physicochemical variation, residue mobility, and thermodynamic stability) indicates that this missense variant is not expected to disrupt GJA5 protein function with a negative predictive value of 80%. In summary, the available evidence is currently insufficient to determine the role of this variant in disease. Therefore, it has been classified as a Variant of Uncertain Significance.

NM_181703.4(GJA5):c.349G>T (p.Val117Phe)

Gene: GJA5 (gap junction protein alpha 5; minus strand). Cytogenetic location: 1q21.2.
Variant type: single nucleotide variant.
Coding change: c.349G>T on transcript NM_181703.4 (MANE Select); coding-DNA position 349, G replaced by T.
Protein change: p.Val117Phe; replaces valine 117 with phenylalanine.
Molecular consequence: missense variant.
Genome position (GRCh38, 1-based): chr1:147,758,890, C>A on the plus strand (G>T on the coding strand, the complement: GJA5 is on the minus strand). VCF-style: chr1-147758890-C-A. GRCh37 (hg19) VCF-style: chr1-147230998-C-A.
Other names: c.349G>T, p.Val117Phe (NM_005266.7); short protein forms V117F.
Identifiers: ClinVar variation 4787520 (VCV004787520.1).
Genomic context (GRCh38, chr1:147,758,890, plus strand): 5'-CCCAGCAGGACAGTTCTGCCTTCTCTGCCACCGGGTACTCGTAAGAGCCAGAGCCCCGGA[C>A]CTCTTTGGCCCTCTCGGCCTCCCGTAGCTTGCGCTTCTCCTGCATGCGCACAGTGTGCAT-3'
Protein context (NP_859054.1, residues 107-127): KLREAERAKE[Val117Phe]RGSGSYEYPV